The following is an entry in ClinVar:

ClinVar aggregate classification (germline): Conflicting classifications of pathogenicity. Review status: criteria provided, conflicting classifications (1 of 4 stars). 2 submissions from 2 submitters: Uncertain significance (1); Likely benign (1). Last evaluated 2025-09-19.

Conditions:
Hereditary cancer-predisposing syndrome. Also called: Neoplastic Syndromes, Hereditary; Tumor predisposition; Hereditary Cancer Syndrome; Hereditary neoplastic syndrome. Identifiers: Orphanet 140162, MedGen C0027672, MeSH D009386, MONDO:0015356.

Submissions (2):

Ambry Genetics
Classification: Uncertain significance for Hereditary cancer-predisposing syndrome. Last evaluated: 2025-09-19. Review status: criteria provided, single submitter. Criteria: Ambry Variant Classification Scheme 2023. Collection method: clinical testing. Allele origin: germline.
Comment: The p.K527N variant (also known as c.1581G>T), located in coding exon 9 of the BRCA1 gene, results from a G to T substitution at nucleotide position 1581. The lysine at codon 527 is replaced by asparagine, an amino acid with similar properties. This amino acid position is well conserved in available vertebrate species. In addition, the in silico prediction for this alteration is inconclusive. Since supporting evidence is limited at this time, the clinical significance of this alteration remains unclear.

University of Washington Department of Laboratory Medicine, University of Washington
Classification: Likely benign for Hereditary cancer-predisposing syndrome. Last evaluated: 2023-03-23. Review status: criteria provided, single submitter. Criteria: Dines et al. (Genet Med. 2020). Collection method: curation. Allele origin: germline.
Comment: Missense variant in a coldspot region where missense variants are very unlikely to be pathogenic (PMID:31911673).

BRCA1 coldspot (exon 11 using historical exon numbering). Reclassification based on statistical prior probability

NM_007294.4(BRCA1):c.1581G>T (p.Lys527Asn)

Gene: BRCA1 (BRCA1 DNA repair associated; minus strand). Cytogenetic location: 17q21.31.
Variant type: single nucleotide variant.
Coding change: c.1581G>T on transcript NM_007294.4 (MANE Select); coding-DNA position 1581, G replaced by T.
Protein change: p.Lys527Asn; replaces lysine 527 with asparagine.
Molecular consequence: missense variant. On other transcripts: intron variant (137).
Genome position (GRCh38, 1-based): chr17:43,093,950, C>A on the plus strand (G>T on the coding strand, the complement: BRCA1 is on the minus strand). VCF-style: chr17-43093950-C-A. GRCh37 (hg19) VCF-style: chr17-41245967-C-A.
Other names: c.1578G>T, p.Lys526Asn (NM_001407590.1, NM_001407591.1, NM_001407610.1 and 22 more transcripts); c.1581G>T, p.Lys527Asn (NM_001407593.1, NM_001407594.1, NM_001407596.1 and 30 more transcripts); c.1572G>T, p.Lys524Asn (NM_001407646.1, NM_001407647.1); c.1458G>T, p.Lys486Asn (NM_001407648.1, NM_001407664.1, NM_001407665.1 and 19 more transcripts); c.1455G>T, p.Lys485Asn (NM_001407649.1, NM_001407670.1, NM_001407671.1 and 11 more transcripts); c.1503G>T, p.Lys501Asn (NM_001407653.1, NM_001407654.1, NM_001407655.1 and 4 more transcripts); c.1500G>T, p.Lys500Asn (NM_001407659.1, NM_001407660.1, NM_001407661.1 and 1 more transcripts); c.1440G>T, p.Lys480Asn (NM_001407692.1, NM_001407694.1, NM_001407695.1 and 29 more transcripts); and 40 more; short protein forms K415N, K460N, K480N, K501N, K456N, K459N, K485N, K524N.
Identifiers: ClinVar variation 1775717 (VCV001775717.5), dbSNP rs80357493, ClinGen allele CA10598885.